The following is an entry in ClinVar:

NM_000088.4(COL1A1):c.1587C>T (p.Pro529=)

Gene: COL1A1 (collagen type I alpha 1 chain; minus strand). Cytogenetic location: 17q21.33.
Variant type: single nucleotide variant.
Coding change: c.1587C>T on transcript NM_000088.4 (MANE Select); coding-DNA position 1587, C replaced by T.
Protein change: p.Pro529=; no amino-acid change (proline 529 retained).
Molecular consequence: synonymous variant.
Genome position (GRCh38, 1-based): chr17:50,194,376, G>A on the plus strand (C>T on the coding strand, the complement: COL1A1 is on the minus strand). VCF-style: chr17-50194376-G-A. GRCh37 (hg19) VCF-style: chr17-48271737-G-A.
Other names: p.Pro529=.
Identifiers: ClinVar variation 456737 (VCV000456737.22), dbSNP rs113437353, ClinGen allele CA8645191.

ClinVar aggregate classification (germline): Benign/Likely benign. Review status: criteria provided, multiple submitters, no conflicts (2 of 4 stars). 8 submissions from 8 submitters: Benign (3); Likely benign (4). 1 of the submissions does not count toward it. Last evaluated 2026-04-20.

Conditions:
Osteogenesis imperfecta type I (OI1). Also called: OI, TYPE I; OSTEOGENESIS IMPERFECTA TARDA; OSTEOGENESIS IMPERFECTA WITH BLUE SCLERAE; Osteogenesis imperfecta type 1; Classic Non-deforming Osteogenesis Imperfecta with Blue Sclerae; Lobstein's Disease. Identifiers: Orphanet 216796, Orphanet 666, MedGen C0023931, MONDO:0008146, OMIM 166200. Disease mechanism: loss of function.
COL1A1-related disorder. Also called: COL1A1-related condition; COL1A1- related disease.
Cardiovascular phenotype. Identifiers: MedGen CN230736.

Allele frequency attached by ClinVar (database versions not stated): gnomAD exomes 0.00009 and 0.00017; ExAC 0.00017; 1000 Genomes Project 0.00020; 1000 Genomes Project 30x 0.00031; TOPMed 0.00060; gnomAD 0.00061; ESP Exome Variant Server 0.00085.
gnomAD v4.1: 282 of 1,614,098 alleles (0.017%); highest among the groups gnomAD compares: African/African-American, 0.24%; 5 homozygotes.

Submissions (8):

Women's Health and Genetics/Laboratory Corporation of America, LabCorp
Classification: Benign. Last evaluated: 2026-04-20. Review status: criteria provided, single submitter. Criteria: LabCorp Variant Classification Summary - May 2015. Collection method: clinical testing. Allele origin: germline.

Labcorp Genetics (formerly Invitae), Labcorp
Classification: Benign for Osteogenesis imperfecta type I. Last evaluated: 2026-01-27. Review status: criteria provided, single submitter. Criteria: Invitae Variant Classification Sherloc (09022015). Collection method: clinical testing. Allele origin: germline.

Mayo Clinic Laboratories, Mayo Clinic
Classification: Likely benign. Last evaluated: 2025-10-17. Review status: criteria provided, single submitter. Criteria: ACMG Guidelines, 2015. Collection method: clinical testing. Allele origin: germline. Observed: 1 variant allele.
Comment: BS1, BP4, BP7

Blueprint Genetics
Classification: Likely benign. Last evaluated: 2024-10-23. Review status: criteria provided, single submitter. Criteria: ACMG Guidelines, 2015. Collection method: clinical testing. Allele origin: germline.

GeneDx
Classification: Likely benign. Last evaluated: 2021-01-11. Review status: criteria provided, single submitter. Criteria: GeneDx Variant Classification Process June 2021. Collection method: clinical testing. Allele origin: germline. Affected: yes.

Ambry Genetics
Classification: Benign for Cardiovascular phenotype. Last evaluated: 2020-02-25. Review status: criteria provided, single submitter. Criteria: Ambry Variant Classification Scheme 2023. Collection method: clinical testing. Allele origin: germline.

Breakthrough Genomics
Classification: Likely benign. Review status: criteria provided, single submitter. Criteria: ACMG Guidelines, 2015. Collection method: not provided. Allele origin: germline. Inheritance: Autosomal dominant inheritance. Affected: yes.

PreventionGenetics, part of Exact Sciences
Classification: Likely benign for COL1A1-related condition. Last evaluated: 2019-09-23. Review status: no assertion criteria provided. Collection method: clinical testing. Allele origin: germline. Not counted in ClinVar's aggregate classification.
Comment: This variant is classified as likely benign based on ACMG/AMP sequence variant interpretation guidelines (Richards et al. 2015 PMID: 25741868, with internal and published modifications).